The following is an entry in ClinVar:

ClinVar aggregate classification (germline): Uncertain significance (1 of 4 stars; one submission).

Conditions:
Bardet-Biedl syndrome (BBS). Identifiers: Orphanet 110, MedGen C0752166, MONDO:0015229.
McKusick-Kaufman syndrome (MKKS). Also called: HYDROMETROCOLPOS SYNDROME; HYDROMETROCOLPOS, POSTAXIAL POLYDACTYLY, AND CONGENITAL HEART MALFORMATION. Identifiers: Orphanet 2473, MedGen C0948368, MONDO:0009367, OMIM 236700.

Allele frequency attached by ClinVar (database versions not stated): gnomAD exomes below 0.00001; ExAC 0.00001; TOPMed 0.00001; gnomAD 0.00002; 1000 Genomes Project 0.00020; 1000 Genomes Project 30x 0.00031.
gnomAD v4.1: 5 of 1,614,182 alleles (0.00031%); highest among the groups gnomAD compares: African/African-American, 0.0053%; no homozygotes.

Submission:

Labcorp Genetics (formerly Invitae), Labcorp
Classification: Uncertain significance for McKusick-Kaufman syndrome; Bardet-Biedl syndrome. Last evaluated: 2022-08-02. Review status: criteria provided, single submitter. Criteria: Invitae Variant Classification Sherloc (09022015). Collection method: clinical testing. Allele origin: germline.
Comment: This sequence change replaces threonine, which is neutral and polar, with alanine, which is neutral and non-polar, at codon 255 of the MKKS protein (p.Thr255Ala). This variant is present in population databases (rs144344402, gnomAD 0.007%). This variant has not been reported in the literature in individuals affected with MKKS-related conditions. Algorithms developed to predict the effect of missense changes on protein structure and function output the following: SIFT: "Tolerated"; PolyPhen-2: "Benign"; Align-GVGD: "Class C0". The alanine amino acid residue is found in multiple mammalian species, which suggests that this missense change does not adversely affect protein function. In summary, the available evidence is currently insufficient to determine the role of this variant in disease. Therefore, it has been classified as a Variant of Uncertain Significance.

NM_170784.3(MKKS):c.763A>G (p.Thr255Ala)

Gene: MKKS (MKKS centrosomal shuttling protein; minus strand). Cytogenetic location: 20p12.2.
Variant type: single nucleotide variant.
Coding change: c.763A>G on transcript NM_170784.3 (MANE Select); coding-DNA position 763, A replaced by G.
Protein change: p.Thr255Ala; replaces threonine 255 with alanine.
Molecular consequence: missense variant.
Genome position (GRCh38, 1-based): chr20:10,412,752, T>C on the plus strand (A>G on the coding strand, the complement: MKKS is on the minus strand). VCF-style: chr20-10412752-T-C. GRCh37 (hg19) VCF-style: chr20-10393400-T-C.
Other names: c.763A>G, p.Thr255Ala (NM_018848.3); short protein forms T255A.
Identifiers: ClinVar variation 2157644 (VCV002157644.1), dbSNP rs144344402, ClinGen allele CA9763632.
Genomic context (GRCh38, chr20:10,412,752, plus strand): 5'-GGTCCAAGACTGCATTTTCAAGAGAAACCCCATAACTGACCACCACAGTTCCTTCTCCAG[T>C]GTCAGAAGTGTCTCCGGATAAAGTTGTACAAAAGAGTGCCACCTTGAGGGCAGTTGATTT-3'
Protein context (NP_740754.1, residues 245-265): CTTLSGDTSD[Thr255Ala]GEGTVVVSYG